The following is an entry in ClinVar:

ClinVar aggregate classification (germline): Benign/Likely benign. Review status: criteria provided, multiple submitters, no conflicts (2 of 4 stars). 4 submissions from 4 submitters: Benign (1); Likely benign (2). 1 of the submissions does not count toward it. Last evaluated 2025-10-16.

Conditions:
Intellectual developmental disorder, autosomal dominant 6, with or without seizures. Also called: GRIN2B-related developmental delay, intellectual disability and autism spectrum disorder; Intellectual disability, autosomal dominant 6. Identifiers: Orphanet 589547, MedGen C3151411, MONDO:0013509, OMIM 613970.
Developmental and epileptic encephalopathy, 27 (DEE27). Also called: Epileptic encephalopathy, early infantile, 27; GRIN2B-Related Neurodevelopmental Disorder. Identifiers: Orphanet 3451, MedGen C4015316, MONDO:0014505, OMIM 616139.
GRIN2B-related disorder. Also called: GRIN2B-related condition.

Allele frequency attached by ClinVar (database versions not stated): gnomAD exomes 0.00015 and 0.00007; TOPMed 0.00017; gnomAD 0.00009; ExAC 0.00011; ESP Exome Variant Server 0.00023.
gnomAD v4.1: 122 of 1,614,104 alleles (0.0076%); highest among the groups gnomAD compares: Admixed American, 0.072%; 1 homozygote.

Submissions (4):

Labcorp Genetics (formerly Invitae), Labcorp
Classification: Likely benign for Developmental and epileptic encephalopathy, 27; Intellectual developmental disorder, autosomal dominant 6, with or without seizures. Last evaluated: 2025-10-16. Review status: criteria provided, single submitter. Criteria: Invitae Variant Classification Sherloc (09022015). Collection method: clinical testing. Allele origin: germline.

Women's Health and Genetics/Laboratory Corporation of America, LabCorp
Classification: Likely benign. Last evaluated: 2025-02-21. Review status: criteria provided, single submitter. Criteria: LabCorp Variant Classification Summary - May 2015. Collection method: clinical testing. Allele origin: germline.

GeneDx
Classification: Benign. Last evaluated: 2020-06-23. Review status: criteria provided, single submitter. Criteria: GeneDx Variant Classification Process June 2021. Collection method: clinical testing. Allele origin: germline. Affected: yes.

PreventionGenetics, part of Exact Sciences
Classification: Likely benign for GRIN2B-related condition. Last evaluated: 2022-05-27. Review status: no assertion criteria provided. Collection method: clinical testing. Allele origin: germline. Not counted in ClinVar's aggregate classification.
Comment: This variant is classified as likely benign based on ACMG/AMP sequence variant interpretation guidelines (Richards et al. 2015 PMID: 25741868, with internal and published modifications).

NM_000834.5(GRIN2B):c.3957G>A (p.Pro1319=)

Gene: GRIN2B (glutamate ionotropic receptor NMDA type subunit 2B; minus strand). Cytogenetic location: 12p13.1.
Variant type: single nucleotide variant.
Coding change: c.3957G>A on transcript NM_000834.5 (MANE Select); coding-DNA position 3957, G replaced by A.
Protein change: p.Pro1319=; no amino-acid change (proline 1319 retained).
Molecular consequence: synonymous variant.
Genome position (GRCh38, 1-based): chr12:13,563,281, C>T on the plus strand (G>A on the coding strand, the complement: GRIN2B is on the minus strand). VCF-style: chr12-13563281-C-T. GRCh37 (hg19) VCF-style: chr12-13716215-C-T.
Identifiers: ClinVar variation 416591 (VCV000416591.17), dbSNP rs141730031, ClinGen allele CA6460811.